The following is an entry in ClinVar:

ClinVar aggregate classification (germline): Uncertain significance (1 of 4 stars; one submission).

Conditions:
Kabuki syndrome. Also called: NIIKAWA-KUROKI SYNDROME; Kabuki make-up syndrome. Identifiers: Orphanet 2322, MedGen C0796004, MONDO:0016512.

Submission:

Labcorp Genetics (formerly Invitae), Labcorp
Classification: Uncertain significance for Kabuki syndrome. Last evaluated: 2024-05-28. Review status: criteria provided, single submitter. Criteria: Invitae Variant Classification Sherloc (09022015). Collection method: clinical testing. Allele origin: germline.
Comment: This sequence change falls in intron 7 of the KMT2D gene. It does not directly change the encoded amino acid sequence of the KMT2D protein. It affects a nucleotide within the consensus splice site. This variant is not present in population databases (gnomAD no frequency). This variant has not been reported in the literature in individuals affected with KMT2D-related conditions. Variants that disrupt the consensus splice site are a relatively common cause of aberrant splicing (PMID: 17576681, 9536098). Algorithms developed to predict the effect of sequence changes on RNA splicing suggest that this variant is not likely to affect RNA splicing. In summary, the available evidence is currently insufficient to determine the role of this variant in disease. Therefore, it has been classified as a Variant of Uncertain Significance.

Literature cited by the submitters: PubMed 17576681; PubMed 9536098.

NM_003482.4(KMT2D):c.954+3G>T

Gene: KMT2D (lysine methyltransferase 2D; minus strand). Cytogenetic location: 12q13.12.
Variant type: single nucleotide variant.
Coding change: c.954+3G>T on transcript NM_003482.4 (MANE Select); 3 bases into the intron after coding-DNA position 954, G replaced by T.
Molecular consequence: intron variant.
Genome position (GRCh38, 1-based): chr12:49,053,204, C>A on the plus strand (G>T on the coding strand, the complement: KMT2D is on the minus strand). VCF-style: chr12-49053204-C-A. GRCh37 (hg19) VCF-style: chr12-49446987-C-A.
Identifiers: ClinVar variation 3654901 (VCV003654901.2).